The following is an entry in ClinVar:

NM_006445.4(PRPF8):c.6929G>A (p.Arg2310Lys)

Gene: PRPF8 (pre-mRNA processing factor 8; minus strand). Cytogenetic location: 17p13.3.
Variant type: single nucleotide variant.
Coding change: c.6929G>A on transcript NM_006445.4 (MANE Select); coding-DNA position 6929, G replaced by A.
Protein change: p.Arg2310Lys; replaces arginine 2310 with lysine.
Molecular consequence: missense variant.
Genome position (GRCh38, 1-based): chr17:1,650,881, C>T on the plus strand (G>A on the coding strand, the complement: PRPF8 is on the minus strand). VCF-style: chr17-1650881-C-T. GRCh37 (hg19) VCF-style: chr17-1554175-C-T.
Other names: short protein forms R2310K.
Identifiers: ClinVar variation 3357 (VCV000003357.9), dbSNP rs121434238, ClinGen allele CA252742.

ClinVar aggregate classification (germline): Pathogenic. Review status: criteria provided, multiple submitters, no conflicts (2 of 4 stars). 3 submissions from 3 submitters: Pathogenic (2). 1 of the submissions does not count toward it. Last evaluated 2022-03-18.

Conditions:
PRPF8-related disorder. Also called: PRPF8-related condition.
Retinitis pigmentosa 13 (RP13). Also called: PRPF 8-Related Retinitis Pigmentosa. Identifiers: Orphanet 791, MedGen C1838702, MONDO:0010806, OMIM 600059.

Submissions (3):

Labcorp Genetics (formerly Invitae), Labcorp
Classification: Pathogenic. Last evaluated: 2022-03-18. Review status: criteria provided, single submitter. Criteria: Invitae Variant Classification Sherloc (09022015). Collection method: clinical testing. Allele origin: germline.
Comment: For these reasons, this variant has been classified as Pathogenic. This sequence change replaces arginine, which is basic and polar, with lysine, which is basic and polar, at codon 2310 of the PRPF8 protein (p.Arg2310Lys). This variant is not present in population databases (gnomAD no frequency). This missense change has been observed in individual(s) with autosomal dominant retinitis pigmentosa (PMID: 11468273, 11910553). It has also been observed to segregate with disease in related individuals. This variant is also known as c.6970G>A. ClinVar contains an entry for this variant (Variation ID: 3357). Algorithms developed to predict the effect of missense changes on protein structure and function are either unavailable or do not agree on the potential impact of this missense change (SIFT: "Deleterious"; PolyPhen-2: "Probably Damaging"; Align-GVGD: "Class C0"). Experimental studies have shown that this missense change affects PRPF8 function (PMID: 28515276). This variant disrupts the p.Arg2310 amino acid residue in PRPF8. Other variant(s) that disrupt this residue have been determined to be pathogenic (PMID: 11468273, 12714658, 16799052, 28515276). This suggests that this residue is clinically significant, and that variants that disrupt this residue are likely to be disease-causing.

Blueprint Genetics
Classification: Pathogenic for PRPF8-related disorders. Last evaluated: 2017-12-15. Review status: criteria provided, single submitter. Criteria: ACMG Guidelines, 2015. Collection method: clinical testing. Allele origin: germline. Affected: yes. Observed: 1 variant allele.

OMIM
Classification: Pathogenic for RETINITIS PIGMENTOSA 13. Last evaluated: 2001-07-15. Review status: no assertion criteria provided. Collection method: literature only. Allele origin: germline. Not counted in ClinVar's aggregate classification.

Literature cited by the submitters: PubMed 11468273 (cited by Labcorp Genetics (formerly Invitae), Labcorp and OMIM); PubMed 11910553 (cited by Labcorp Genetics (formerly Invitae), Labcorp); PubMed 28515276 (cited by Labcorp Genetics (formerly Invitae), Labcorp); PubMed 12714658 (cited by Labcorp Genetics (formerly Invitae), Labcorp); PubMed 16799052 (cited by Labcorp Genetics (formerly Invitae), Labcorp).